The following is an entry in ClinVar:

ClinVar aggregate classification (germline): Uncertain significance (1 of 4 stars; one submission).

Allele frequency attached by ClinVar (database versions not stated): gnomAD exomes below 0.00001; gnomAD 0.00001; TOPMed 0.00002.
gnomAD v4.1: 5 of 1,199,956 alleles (0.00042%); highest among the groups gnomAD compares: Admixed American, 0.0022%; no homozygotes.

Submission:

Labcorp Genetics (formerly Invitae), Labcorp
Classification: Uncertain significance. Last evaluated: 2024-10-06. Review status: criteria provided, single submitter. Criteria: Invitae Variant Classification Sherloc (09022015). Collection method: clinical testing. Allele origin: germline.
Comment: This sequence change replaces proline, which is neutral and non-polar, with serine, which is neutral and polar, at codon 63 of the PIH1D3 protein (p.Pro63Ser). This variant is present in population databases (no rsID available, gnomAD no frequency). This variant has not been reported in the literature in individuals affected with PIH1D3-related conditions. ClinVar contains an entry for this variant (Variation ID: 1947816). An algorithm developed to predict the effect of missense changes on protein structure and function (PolyPhen-2) suggests that this variant is likely to be disruptive. In summary, the available evidence is currently insufficient to determine the role of this variant in disease. Therefore, it has been classified as a Variant of Uncertain Significance.

NM_173494.2(DNAAF6):c.187C>T (p.Pro63Ser)

Gene: DNAAF6 (dynein axonemal assembly factor 6; plus strand). Cytogenetic location: Xq22.3.
Variant type: single nucleotide variant.
Coding change: c.187C>T on transcript NM_173494.2 (MANE Select); coding-DNA position 187, C replaced by T.
Protein change: p.Pro63Ser; replaces proline 63 with serine.
Molecular consequence: missense variant.
Genome position (GRCh38, 1-based): chrX:107,216,704, C>T. VCF-style: chrX-107216704-C-T. GRCh37 (hg19) VCF-style: chrX-106459934-C-T.
Other names: c.187C>T, p.Pro63Ser (NM_001169154.2); short protein forms P63S.
Identifiers: ClinVar variation 1947816 (VCV001947816.5), dbSNP rs1408510391, ClinGen allele CA413888017.
Genomic context (GRCh38, chrX:107,216,704, plus strand): 5'-AATATTGAACTTTTTCTCCTCCCTCAGACAAATGGTTTATCTACTATTGGAGCCATGGGT[C>T]CTGGGAATATTGGACCACCCCAAATAGAAGAGCTCAAAGGTAAGTTATTTAACAAAGCAA-3'
Protein context (NP_775765.1, residues 53-73): NGLSTIGAMG[Pro63Ser]GNIGPPQIEE